The following is an entry in ClinVar:

ClinVar aggregate classification (germline): Uncertain significance (1 of 4 stars; one submission).

gnomAD v4.1: 1 of 1,603,120 alleles (0.000062%); highest among the groups gnomAD compares: Non-Finnish European, 0.000085%; no homozygotes.

Submission:

Labcorp Genetics (formerly Invitae), Labcorp
Classification: Uncertain significance. Last evaluated: 2025-02-13. Review status: criteria provided, single submitter. Criteria: Invitae Variant Classification Sherloc (09022015). Collection method: clinical testing. Allele origin: germline.
Comment: This sequence change replaces glutamic acid, which is acidic and polar, with lysine, which is basic and polar, at codon 176 of the MAD2L2 protein (p.Glu176Lys). This variant is not present in population databases (gnomAD no frequency). This variant has not been reported in the literature in individuals affected with MAD2L2-related conditions. An algorithm developed to predict the effect of missense changes on protein structure and function (PolyPhen-2) suggests that this variant is likely to be tolerated. In summary, the available evidence is currently insufficient to determine the role of this variant in disease. Therefore, it has been classified as a Variant of Uncertain Significance.

NM_006341.4(MAD2L2):c.526G>A (p.Glu176Lys)

Gene: MAD2L2 (mitotic arrest deficient 2 like 2; minus strand). Cytogenetic location: 1p36.22.
Variant type: single nucleotide variant.
Coding change: c.526G>A on transcript NM_006341.4 (MANE Select); coding-DNA position 526, G replaced by A.
Protein change: p.Glu176Lys; replaces glutamic acid 176 with lysine.
Molecular consequence: missense variant.
Genome position (GRCh38, 1-based): chr1:11,675,150, C>T on the plus strand (G>A on the coding strand, the complement: MAD2L2 is on the minus strand). VCF-style: chr1-11675150-C-T. GRCh37 (hg19) VCF-style: chr1-11735207-C-T.
Other names: c.526G>A, p.Glu176Lys (NM_001127325.2); short protein forms E176K.
Identifiers: ClinVar variation 4806969 (VCV004806969.1).